The following is an entry in ClinVar:

ClinVar aggregate classification (germline): Likely pathogenic (1 of 4 stars; one submission).

gnomAD v4.1: 5 of 1,567,112 alleles (0.00032%); highest among the groups gnomAD compares: Non-Finnish European, 0.00043%; no homozygotes.

Submission:

GeneDx
Classification: Likely pathogenic. Last evaluated: 2024-01-23. Review status: criteria provided, single submitter. Criteria: GeneDx Variant Classification Process June 2021. Collection method: clinical testing. Allele origin: germline. Affected: yes.
Comment: Canonical splice site variant predicted to result in an in-frame loss of the adjacent exon in a gene for which loss of function is a known mechanism of disease; Not observed at significant frequency in large population cohorts (gnomAD); Has not been previously published as pathogenic or benign to our knowledge

NM_015512.5(DNAH1):c.9741+1G>T

Gene: DNAH1 (dynein axonemal heavy chain 1; plus strand). Cytogenetic location: 3p21.1.
Variant type: single nucleotide variant.
Coding change: c.9741+1G>T on transcript NM_015512.5 (MANE Select); the canonical splice donor site of the intron after coding-DNA position 9741, G replaced by T.
Molecular consequence: splice donor variant.
Genome position (GRCh38, 1-based): chr3:52,391,055, G>T. VCF-style: chr3-52391055-G-T. GRCh37 (hg19) VCF-style: chr3-52425071-G-T.
Identifiers: ClinVar variation 3341026 (VCV003341026.1).